The following is an entry in ClinVar:

ClinVar aggregate classification (germline): Pathogenic/Likely pathogenic. Review status: criteria provided, multiple submitters, no conflicts (2 of 4 stars). 2 submissions from 2 submitters: Pathogenic (1); Likely pathogenic (1). Last evaluated 2022-09-12.

Conditions:
Fanconi anemia complementation group O. Also called: RAD51C-Related Fanconi Anemia. Identifiers: Orphanet 84, MedGen C3150653, MONDO:0013248, OMIM 613390.
Hereditary cancer-predisposing syndrome. Also called: Neoplastic Syndromes, Hereditary; Tumor predisposition; Hereditary Cancer Syndrome; Hereditary neoplastic syndrome. Identifiers: Orphanet 140162, MedGen C0027672, MeSH D009386, MONDO:0015356.

Submissions (2):

Ambry Genetics
Classification: Likely pathogenic for Hereditary cancer-predisposing syndrome. Last evaluated: 2022-09-12. Review status: criteria provided, single submitter. Criteria: Ambry Variant Classification Scheme 2023. Collection method: clinical testing. Allele origin: germline.
Comment: The c.50delT variant, located in coding exon 1 of the RAD51C gene, results from a deletion of one nucleotide at nucleotide position 50, causing a translational frameshift with a predicted alternate stop codon (p.F17Sfs*9). The predicted stop codon occurs in the 5&rsquo; end of theRAD51C gene. Premature termination codons in the 5&rsquo; end of a gene have been reported to escape nonsense-mediated mRNAdecay and/or lead to re-initiation (Rivas et al. Science. 2015 May 8;348(6235):666-9; Lindeboom et al. Nat Genet. 2016 Oct;48(10):1112-8; Rhee et al. Sci Rep. 2017 May 10;7(1):1653). Direct evidence for this alteration is unavailable, however premature termination codons are typically deleterious in nature. This variant is considered to be rare based on population cohorts in the Genome Aggregation Database (gnomAD). Based on the majority of available evidence to date, this variant is likely to be pathogenic.

Labcorp Genetics (formerly Invitae), Labcorp
Classification: Pathogenic for Fanconi anemia complementation group O. Last evaluated: 2017-12-14. Review status: criteria provided, single submitter. Criteria: Invitae Variant Classification Sherloc (09022015). Collection method: clinical testing. Allele origin: germline.
Comment: For these reasons, this variant has been classified as Pathogenic. Loss-of-function variants in RAD51C are known to be pathogenic (PMID: 20400964, 21990120, 24800917). This variant has not been reported in the literature in individuals with RAD51C-related disease. This variant is not present in population databases (ExAC no frequency). This sequence change creates a premature translational stop signal (p.Phe17Serfs*9) in the RAD51C gene. It is expected to result in an absent or disrupted protein product.

Literature cited by the submitters: PubMed 20400964 (cited by Labcorp Genetics (formerly Invitae), Labcorp); PubMed 21990120 (cited by Labcorp Genetics (formerly Invitae), Labcorp); PubMed 24800917 (cited by Labcorp Genetics (formerly Invitae), Labcorp).

NM_058216.3(RAD51C):c.50del (p.Phe17fs)

Gene: RAD51C (RAD51 paralog C; plus strand). Cytogenetic location: 17q22.
Variant type: Deletion.
Coding change: c.50del on transcript NM_058216.3 (MANE Select); coding-DNA position 50, one base deleted (T; older notation c.50delT).
Protein change: p.Phe17fs; shifts the reading frame from phenylalanine 17.
Molecular consequence: frameshift variant. On other transcripts: non-coding transcript variant (1).
Genome position (GRCh38, 1-based): chr17:58,692,693, T deleted; the last of 3 consecutive T bases (chr17:58,692,691-58,692,693); deleting any one gives the same sequence. VCF-style (leftmost placement, unchanged base first): chr17-58692690-GT-G. GRCh37 (hg19) VCF-style: chr17-56770051-GT-G.
Other names: c.50del, p.Phe17fs (NM_002876.4); short protein forms F17fs.
Identifiers: ClinVar variation 538780 (VCV000538780.9), dbSNP rs1555591851, ClinGen allele CA658798931.